The following is an entry in ClinVar:

ClinVar aggregate classification (germline): Likely pathogenic (1 of 4 stars; one submission).

Conditions:
Breast-ovarian cancer, familial, susceptibility to, 3. Also called: RAD51C-Related Breast/Ovarian Cancer. Identifiers: Orphanet 145, MedGen C3150659, MONDO:0013253, OMIM 613399.

Submission:

Myriad Genetics, Inc.
Classification: Likely pathogenic for Breast-ovarian cancer, familial, susceptibility to, 3. Last evaluated: 2024-01-02. Review status: criteria provided, single submitter. Criteria: Myriad Autosomal Dominant, Autosomal Recessive and X-Linked Classification Criteria (2023). Collection method: clinical testing. Allele origin: unknown.
Comment: This variant is considered likely pathogenic. This variant occurs within a consensus splice junction and is predicted to result in abnormal mRNA splicing of either an out-of-frame exon or an in-frame exon necessary for protein stability and/or normal function.

NM_058216.3(RAD51C):c.405-1G>T

Gene: RAD51C (RAD51 paralog C; plus strand). Cytogenetic location: 17q22.
Variant type: single nucleotide variant.
Coding change: c.405-1G>T on transcript NM_058216.3 (MANE Select); the canonical splice acceptor site of the intron before coding-DNA position 405, G replaced by T.
Molecular consequence: splice acceptor variant.
Genome position (GRCh38, 1-based): chr17:58,696,692, G>T. VCF-style: chr17-58696692-G-T. GRCh37 (hg19) VCF-style: chr17-56774053-G-T.
Identifiers: ClinVar variation 3148220 (VCV003148220.1), dbSNP rs587782036, ClinGen allele CA400343655.
Genomic context (GRCh38, chr17:58,696,692, plus strand): 5'-TCAAAAACACTACCTTAGATCATCATCATGATTTGGTTGTTTGTCATCTTTCTGTTGACA[G>T]TATGCAGTTGGCAGTAGATGTGCAGATACCAGAATGTTTTGGAGGAGTGGCAGGTGAAGC-3'